The following is an entry in ClinVar:

NM_001377.3(DYNC2H1):c.4813C>T (p.His1605Tyr)

Gene: DYNC2H1 (dynein cytoplasmic 2 heavy chain 1; plus strand). Cytogenetic location: 11q22.3.
Variant type: single nucleotide variant.
Coding change: c.4813C>T on transcript NM_001377.3 (MANE Select); coding-DNA position 4813, C replaced by T.
Protein change: p.His1605Tyr; replaces histidine 1605 with tyrosine.
Molecular consequence: missense variant.
Genome position (GRCh38, 1-based): chr11:103,168,805, C>T. VCF-style: chr11-103168805-C-T. GRCh37 (hg19) VCF-style: chr11-103039534-C-T.
Other names: c.4813C>T, p.His1605Tyr (NM_001080463.2); short protein forms H1605Y.
Identifiers: ClinVar variation 1385102 (VCV001385102.3), dbSNP rs2134958830, ClinGen allele CA382240280.

ClinVar aggregate classification (germline): Uncertain significance (1 of 4 stars; one submission).

Conditions:
Jeune thoracic dystrophy. Also called: Short-rib thoracic dysplasia; Jeune syndrome; Infantile thoracic dystrophy; Thoracic pelvic phalangeal dystrophy; Jeune's syndrome; Chondroectodermal dysplasia-like syndrome. Identifiers: Orphanet 474, MedGen C0265275, MONDO:0018770.

Submission:

Labcorp Genetics (formerly Invitae), Labcorp
Classification: Uncertain significance for Jeune thoracic dystrophy. Last evaluated: 2021-10-07. Review status: criteria provided, single submitter. Criteria: Invitae Variant Classification Sherloc (09022015). Collection method: clinical testing. Allele origin: germline.
Comment: This sequence change replaces histidine with tyrosine at codon 1605 of the DYNC2H1 protein (p.His1605Tyr). The histidine residue is highly conserved and there is a moderate physicochemical difference between histidine and tyrosine. This variant is not present in population databases (ExAC no frequency). This variant has not been reported in the literature in individuals affected with DYNC2H1-related conditions. Algorithms developed to predict the effect of missense changes on protein structure and function (SIFT, PolyPhen-2, Align-GVGD) all suggest that this variant is likely to be disruptive. In summary, the available evidence is currently insufficient to determine the role of this variant in disease. Therefore, it has been classified as a Variant of Uncertain Significance.